The following is an entry in ClinVar:

NM_018706.7(DHTKD1):c.2392G>T (p.Asp798Tyr)

Gene: DHTKD1 (dehydrogenase E1 and transketolase domain containing 1; plus strand). Cytogenetic location: 10p14.
Variant type: single nucleotide variant.
Coding change: c.2392G>T on transcript NM_018706.7 (MANE Select); coding-DNA position 2392, G replaced by T.
Protein change: p.Asp798Tyr; replaces aspartic acid 798 with tyrosine.
Molecular consequence: missense variant.
Genome position (GRCh38, 1-based): chr10:12,117,745, G>T. VCF-style: chr10-12117745-G-T. GRCh37 (hg19) VCF-style: chr10-12159744-G-T.
Other names: c.2392G>T (NM_018706.5); short protein forms D798Y.
Identifiers: ClinVar variation 1950044 (VCV001950044.6), dbSNP rs1466221488, ClinGen allele CA376015128.

ClinVar aggregate classification (germline): Uncertain significance. Review status: criteria provided, multiple submitters, no conflicts (2 of 4 stars). 2 submissions from 2 submitters: Uncertain significance (2). Last evaluated 2025-08-12.

Conditions:
Inborn genetic diseases. Identifiers: MedGen C0950123, MeSH D030342.
2-aminoadipic 2-oxoadipic aciduria (AAKAD). Also called: ALPHA-AMINOADIPIC AND ALPHA-KETOADIPIC ACIDURIA; Aminoadipic aciduria. Identifiers: Orphanet 79154, MedGen C1859817, MONDO:0008774, OMIM 204750.

Allele frequency attached by ClinVar (database versions not stated): gnomAD 0.00001.
gnomAD v4.1: 2 of 1,590,470 alleles (0.00013%); highest among the groups gnomAD compares: Admixed American, 0.0034%; no homozygotes.

Submissions (2):

Ambry Genetics
Classification: Uncertain significance for Inborn genetic diseases. Last evaluated: 2025-08-12. Review status: criteria provided, single submitter. Criteria: Ambry Variant Classification Scheme 2023. Collection method: clinical testing. Allele origin: germline.

Labcorp Genetics (formerly Invitae), Labcorp
Classification: Uncertain significance for 2-aminoadipic 2-oxoadipic aciduria. Last evaluated: 2024-04-16. Review status: criteria provided, single submitter. Criteria: Invitae Variant Classification Sherloc (09022015). Collection method: clinical testing. Allele origin: germline.
Comment: This sequence change replaces aspartic acid, which is acidic and polar, with tyrosine, which is neutral and polar, at codon 798 of the DHTKD1 protein (p.Asp798Tyr). This variant is present in population databases (no rsID available, gnomAD 0.003%). This variant has not been reported in the literature in individuals affected with DHTKD1-related conditions. ClinVar contains an entry for this variant (Variation ID: 1950044). Advanced modeling of protein sequence and biophysical properties (such as structural, functional, and spatial information, amino acid conservation, physicochemical variation, residue mobility, and thermodynamic stability) performed at Invitae indicates that this missense variant is not expected to disrupt DHTKD1 protein function with a negative predictive value of 80%. In summary, the available evidence is currently insufficient to determine the role of this variant in disease. Therefore, it has been classified as a Variant of Uncertain Significance.